The following is an entry in ClinVar:

NM_001854.4(COL11A1):c.700G>A (p.Asp234Asn)

Gene: COL11A1 (collagen type XI alpha 1 chain; minus strand). Cytogenetic location: 1p21.1.
Variant type: single nucleotide variant.
Coding change: c.700G>A on transcript NM_001854.4 (MANE Select); coding-DNA position 700, G replaced by A.
Protein change: p.Asp234Asn; replaces aspartic acid 234 with asparagine.
Molecular consequence: missense variant. On other transcripts: non-coding transcript variant (1).
Genome position (GRCh38, 1-based): chr1:103,031,196, C>T on the plus strand (G>A on the coding strand, the complement: COL11A1 is on the minus strand). VCF-style: chr1-103031196-C-T. GRCh37 (hg19) VCF-style: chr1-103496752-C-T.
Other names: c.700G>A, p.Asp234Asn (NM_001168249.1, NM_001190709.2, NM_080629.3 and 1 more transcripts); short protein forms D234N.
Identifiers: ClinVar variation 2072785 (VCV002072785.4), dbSNP rs1369168022, ClinGen allele CA341159727.

ClinVar aggregate classification (germline): Uncertain significance (1 of 4 stars; one submission).

Submission:

Labcorp Genetics (formerly Invitae), Labcorp
Classification: Uncertain significance. Last evaluated: 2024-02-24. Review status: criteria provided, single submitter. Criteria: Invitae Variant Classification Sherloc (09022015). Collection method: clinical testing. Allele origin: germline.
Comment: This sequence change replaces aspartic acid, which is acidic and polar, with asparagine, which is neutral and polar, at codon 234 of the COL11A1 protein (p.Asp234Asn). This variant is not present in population databases (gnomAD no frequency). This variant has not been reported in the literature in individuals affected with COL11A1-related conditions. ClinVar contains an entry for this variant (Variation ID: 2072785). Advanced modeling of protein sequence and biophysical properties (such as structural, functional, and spatial information, amino acid conservation, physicochemical variation, residue mobility, and thermodynamic stability) performed at Invitae indicates that this missense variant is not expected to disrupt COL11A1 protein function with a negative predictive value of 95%. In summary, the available evidence is currently insufficient to determine the role of this variant in disease. Therefore, it has been classified as a Variant of Uncertain Significance.